The following is an entry in ClinVar:

NM_000256.3(MYBPC3):c.922C>A (p.Pro308Thr)

Gene: MYBPC3 (myosin binding protein C3; minus strand). Cytogenetic location: 11p11.2.
Variant type: single nucleotide variant.
Coding change: c.922C>A on transcript NM_000256.3 (MANE Select); coding-DNA position 922, C replaced by A.
Protein change: p.Pro308Thr; replaces proline 308 with threonine.
Molecular consequence: missense variant.
Genome position (GRCh38, 1-based): chr11:47,346,631, G>T on the plus strand (C>A on the coding strand, the complement: MYBPC3 is on the minus strand). VCF-style: chr11-47346631-G-T. GRCh37 (hg19) VCF-style: chr11-47368182-G-T.
Other names: short protein forms P308T.
Identifiers: ClinVar variation 3361828 (VCV003361828.3).

ClinVar aggregate classification (germline): Uncertain significance. Review status: criteria provided, multiple submitters, no conflicts (2 of 4 stars). 2 submissions from 2 submitters: Uncertain significance (2). Last evaluated 2024-02-03.

Conditions:
Hypertrophic cardiomyopathy. Also called: HYPERTROPHIC MYOCARDIOPATHY. Identifiers: Orphanet 217569, MedGen C0007194, MeSH D002312, MONDO:0005045, HP:0001639.

Submissions (2):

Labcorp Genetics (formerly Invitae), Labcorp
Classification: Uncertain significance for Hypertrophic cardiomyopathy. Last evaluated: 2024-02-03. Review status: criteria provided, single submitter. Criteria: Invitae Variant Classification Sherloc (09022015). Collection method: clinical testing. Allele origin: germline.
Comment: This sequence change replaces proline, which is neutral and non-polar, with threonine, which is neutral and polar, at codon 308 of the MYBPC3 protein (p.Pro308Thr). This variant is not present in population databases (gnomAD no frequency). This variant has not been reported in the literature in individuals affected with MYBPC3-related conditions. An algorithm developed to predict the effect of missense changes on protein structure and function (PolyPhen-2) suggests that this variant is likely to be tolerated. In summary, the available evidence is currently insufficient to determine the role of this variant in disease. Therefore, it has been classified as a Variant of Uncertain Significance.

GeneDx
Classification: Uncertain significance. Last evaluated: 2023-08-02. Review status: criteria provided, single submitter. Criteria: GeneDx Variant Classification Process June 2021. Collection method: clinical testing. Allele origin: germline. Affected: yes.
Comment: Not observed at significant frequency in large population cohorts (gnomAD); In silico analysis supports that this missense variant does not alter protein structure/function; Has not been previously published as pathogenic or benign to our knowledge